The following is an entry in ClinVar:

ClinVar aggregate classification (germline): Uncertain significance (1 of 4 stars; one submission).

Conditions:
Cardiovascular phenotype. Identifiers: MedGen CN230736.

Submission:

Ambry Genetics
Classification: Uncertain significance for Cardiovascular phenotype. Last evaluated: 2025-08-13. Review status: criteria provided, single submitter. Criteria: Ambry Variant Classification Scheme 2023. Collection method: clinical testing. Allele origin: germline.
Comment: The c.956_959delTGGAinsCTCTGG variant, located in coding exon 2 of the JPH2 gene, results from the deletion of 4 nucleotides and insertion of 6 nucleotides causing a translational frameshift with a predicted alternate stop codon (p.L319Pfs*190). This alteration is expected to result in loss of function by premature protein truncation or nonsense-mediated mRNA decay. Although biallelic loss of function of JPH2 has been associated with autosomal recessive dilated cardiomyopathy, haploinsufficiency of JPH2 has not been established as a mechanism of disease for autosomal dominant hypertrophic cardiomyopathy. Based on the supporting evidence, this variant is expected to be causative of autosomal recessive dilated cardiomyopathy when present along with a second pathogenic variant on the other allele; however, its clinical significance for autosomal dominant hypertrophic cardiomyopathy is unclear.

NM_020433.5(JPH2):c.956_959delinsCTCTGG (p.Leu319fs)

Gene: JPH2 (junctophilin 2; minus strand). Cytogenetic location: 20q13.12.
Variant type: Indel.
Coding change: c.956_959delinsCTCTGG on transcript NM_020433.5 (MANE Select); coding-DNA positions 956 to 959, TGGA replaced by CTCTGG.
Protein change: p.Leu319fs; shifts the reading frame from leucine 319.
Molecular consequence: frameshift variant.
Genome position (GRCh38, 1-based): chr20:44,159,828-44,159,831, TCCA replaced by CCAGAG on the plus strand (TGGA replaced by CTCTGG on the coding strand, the reverse complement: JPH2 is on the minus strand). VCF-style: chr20-44159828-TCCA-CCAGAG. GRCh37 (hg19) VCF-style: chr20-42788468-TCCA-CCAGAG.
Other names: short protein forms L319fs.
Identifiers: ClinVar variation 4089450 (VCV004089450.1).